The following is an entry in ClinVar:

NM_007118.4(TRIO):c.3842A>G (p.Glu1281Gly)

Gene: TRIO (trio Rho guanine nucleotide exchange factor; plus strand). Cytogenetic location: 5p15.2.
Variant type: single nucleotide variant.
Coding change: c.3842A>G on transcript NM_007118.4 (MANE Select); coding-DNA position 3842, A replaced by G.
Protein change: p.Glu1281Gly; replaces glutamic acid 1281 with glycine.
Molecular consequence: missense variant. On other transcripts: non-coding transcript variant (1).
Genome position (GRCh38, 1-based): chr5:14,387,808, A>G. VCF-style: chr5-14387808-A-G. GRCh37 (hg19) VCF-style: chr5-14387917-A-G.
Other names: short protein forms E1281G.
Identifiers: ClinVar variation 4633595 (VCV004633595.1).

ClinVar aggregate classification (germline): Uncertain significance (1 of 4 stars; one submission).

Conditions:
Inborn genetic diseases. Identifiers: MedGen C0950123, MeSH D030342.

gnomAD v4.1: 1 of 1,614,102 alleles (0.000062%); highest among the groups gnomAD compares: African/African-American, 0.0013%; no homozygotes.

Submission:

Ambry Genetics
Classification: Uncertain significance for Inborn genetic diseases. Last evaluated: 2025-11-20. Review status: criteria provided, single submitter. Criteria: Ambry Variant Classification Scheme 2023. Collection method: clinical testing. Allele origin: germline.
Comment: The c.3842A>G (p.E1281G) alteration is located in exon 23 (coding exon 23) of the TRIO gene. This alteration results from a A to G substitution at nucleotide position 3842, causing the glutamic acid (E) at amino acid position 1281 to be replaced by a glycine (G). Based on data from gnomAD, the G allele has an overall frequency of <0.001% (1/250974) total alleles studied. The highest observed frequency was 0.006% (1/16196) of African alleles. Based on insufficient or conflicting evidence, the clinical significance of this alteration remains unclear.